The following is an entry in ClinVar:

ClinVar aggregate classification (germline): Likely pathogenic (1 of 4 stars; one submission).

Submission:

Labcorp Genetics (formerly Invitae), Labcorp
Classification: Likely pathogenic. Last evaluated: 2023-11-10. Review status: criteria provided, single submitter. Criteria: Invitae Variant Classification Sherloc (09022015). Collection method: clinical testing. Allele origin: germline.
Comment: This sequence change affects a splice site in intron 9 of the TAPT1 gene. It is expected to disrupt RNA splicing. Variants that disrupt the donor or acceptor splice site typically lead to a loss of protein function (PMID: 16199547), and loss-of-function variants in TAPT1 are known to be pathogenic (PMID: 26365339, 32058062). This variant is not present in population databases (gnomAD no frequency). This variant has not been reported in the literature in individuals affected with TAPT1-related conditions. Algorithms developed to predict the effect of sequence changes on RNA splicing suggest that this variant may disrupt the consensus splice site. In summary, the currently available evidence indicates that the variant is pathogenic, but additional data are needed to prove that conclusively. Therefore, this variant has been classified as Likely Pathogenic.

Literature cited by the submitters: PubMed 16199547; PubMed 26365339; PubMed 32058062.

NM_153365.3(TAPT1):c.1107+1_1107+8del

Gene: TAPT1 (transmembrane anterior posterior transformation 1; minus strand). Cytogenetic location: 4p15.32.
Variant type: Deletion.
Coding change: c.1107+1_1107+8del on transcript NM_153365.3 (MANE Select); the canonical splice donor site of the intron after coding-DNA position 1107 through 8 bases into the intron after coding-DNA position 1107, 8 bases deleted (GTATGTAT; older notation c.1107+1_1107+8delGTATGTAT).
Molecular consequence: splice donor variant.
Genome position (GRCh38, 1-based): chr4:16,176,111-16,176,118, ATACATAC deleted on the plus strand (GTATGTAT on the coding strand, the reverse complement: TAPT1 is on the minus strand); deleting any 8 consecutive bases within chr4:16,176,111-16,176,120 gives the same sequence; the c. name uses the placement nearest the transcript's 3' end. VCF-style (leftmost placement, unchanged base first): chr4-16176110-AATACATAC-A. GRCh37 (hg19) VCF-style: chr4-16177733-AATACATAC-A.
Identifiers: ClinVar variation 2794225 (VCV002794225.3), dbSNP rs2531884877, ClinGen allele CA2739270027.